The following is an entry in ClinVar:

NM_213595.4(ISCU):c.336G>C (p.Lys112Asn)

Gene: ISCU (iron-sulfur cluster assembly enzyme; plus strand). Cytogenetic location: 12q23.3.
Variant type: single nucleotide variant.
Coding change: c.336G>C on transcript NM_213595.4 (MANE Select); coding-DNA position 336, G replaced by C.
Protein change: p.Lys112Asn; replaces lysine 112 with asparagine.
Molecular consequence: missense variant. On other transcripts: non-coding transcript variant (1).
Genome position (GRCh38, 1-based): chr12:108,565,428, G>C. VCF-style: chr12-108565428-G-C. GRCh37 (hg19) VCF-style: chr12-108959204-G-C.
Other names: c.336G>C, p.Lys112Asn (NM_001301140.1, NM_001301141.1, NM_001320042.1); c.261G>C, p.Lys87Asn (NM_014301.4); short protein forms K87N, K112N.
Identifiers: ClinVar variation 1480111 (VCV001480111.6), dbSNP rs777792833, ClinGen allele CA6768826.

ClinVar aggregate classification (germline): Uncertain significance (1 of 4 stars; one submission).

Allele frequency attached by ClinVar (database versions not stated): gnomAD exomes below 0.00001; ExAC 0.00001.
gnomAD v4.1: 1 of 1,602,254 alleles (0.000062%); highest among the groups gnomAD compares: Non-Finnish European, 0.000086%; no homozygotes.

Submission:

Labcorp Genetics (formerly Invitae), Labcorp
Classification: Uncertain significance. Last evaluated: 2026-01-05. Review status: criteria provided, single submitter. Criteria: Invitae Variant Classification Sherloc (09022015). Collection method: clinical testing. Allele origin: germline.
Comment: This sequence change replaces lysine, which is basic and polar, with asparagine, which is neutral and polar, at codon 112 of the ISCU protein (p.Lys112Asn). This variant is present in population databases (rs777792833, gnomAD 0.0009%). This variant has not been reported in the literature in individuals affected with ISCU-related conditions. ClinVar contains an entry for this variant (Variation ID: 1480111). An algorithm developed to predict the effect of missense changes on protein structure and function (PolyPhen-2) suggests that this variant is likely to be disruptive. In summary, the available evidence is currently insufficient to determine the role of this variant in disease. Therefore, it has been classified as a Variant of Uncertain Significance.